The following is an entry in ClinVar:

ClinVar aggregate classification (germline): Uncertain significance (1 of 4 stars; one submission).

Conditions:
Neurofibromatosis, type 1 (NF1). Also called: Peripheral type neurofibromatosis; VON RECKLINGHAUSEN DISEASE; Neurofibromatosis, type I; NEUROFIBROMATOSIS, TYPE I, SOMATIC. Identifiers: Orphanet 636, MedGen C0027831, MONDO:0018975, OMIM 162200. Disease mechanism: loss of function.

gnomAD v4.1: 1 of 1,613,864 alleles (0.000062%); highest among the groups gnomAD compares: Non-Finnish European, 0.000085%; no homozygotes.

Submission:

Labcorp Genetics (formerly Invitae), Labcorp
Classification: Uncertain significance for Neurofibromatosis, type 1. Last evaluated: 2025-05-23. Review status: criteria provided, single submitter. Criteria: Invitae Variant Classification Sherloc (09022015). Collection method: clinical testing. Allele origin: germline.
Comment: This sequence change replaces proline, which is neutral and non-polar, with leucine, which is neutral and non-polar, at codon 534 of the NF1 protein (p.Pro534Leu). This variant is not present in population databases (gnomAD no frequency). This variant has not been reported in the literature in individuals affected with NF1-related conditions. Invitae Evidence Modeling of protein sequence and biophysical properties (such as structural, functional, and spatial information, amino acid conservation, physicochemical variation, residue mobility, and thermodynamic stability) has been performed for this missense variant. However, the output from this modeling did not meet the statistical confidence thresholds required to predict the impact of this variant on NF1 protein function. In summary, the available evidence is currently insufficient to determine the role of this variant in disease. Therefore, it has been classified as a Variant of Uncertain Significance.

NM_001042492.3(NF1):c.1601C>T (p.Pro534Leu)

Gene: NF1 (neurofibromin 1; plus strand). Cytogenetic location: 17q11.2.
Variant type: single nucleotide variant.
Coding change: c.1601C>T on transcript NM_001042492.3 (MANE Select); coding-DNA position 1601, C replaced by T.
Protein change: p.Pro534Leu; replaces proline 534 with leucine.
Molecular consequence: missense variant.
Genome position (GRCh38, 1-based): chr17:31,219,078, C>T. VCF-style: chr17-31219078-C-T. GRCh37 (hg19) VCF-style: chr17-29546096-C-T.
Other names: c.1601C>T, p.Pro534Leu (NM_000267.4, NM_001128147.3); short protein forms P534L.
Identifiers: ClinVar variation 4696731 (VCV004696731.1).
Genomic context (GRCh38, chr17:31,219,078, plus strand): 5'-AGGGGCCCGAAACCCAAGGCAGTACAGCAGAATTAATTACAGGGCTCGTCCAACTGGTCC[C>T]TCAGTCACACATGCCAGAGATTGCTCAGGAAGCAATGGAGGTAAGGGGAAAATGAATTCC-3'
Protein context (NP_001035957.1, residues 524-544): ELITGLVQLV[Pro534Leu]QSHMPEIAQE